The following is an entry in ClinVar:

NM_000051.4(ATM):c.2844A>G (p.Leu948=)

Gene: ATM (ATM serine/threonine kinase; plus strand). Cytogenetic location: 11q22.3.
Variant type: single nucleotide variant.
Coding change: c.2844A>G on transcript NM_000051.4 (MANE Select); coding-DNA position 2844, A replaced by G.
Protein change: p.Leu948=; no amino-acid change (leucine 948 retained).
Molecular consequence: synonymous variant.
Genome position (GRCh38, 1-based): chr11:108,271,069, A>G. VCF-style: chr11-108271069-A-G. GRCh37 (hg19) VCF-style: chr11-108141796-A-G.
Other names: c.2844A>G, p.Leu948= (NM_001351834.2).
Identifiers: ClinVar variation 516048 (VCV000516048.13), dbSNP rs1555084628, ClinGen allele CA476674124.

ClinVar aggregate classification (germline): Benign/Likely benign. Review status: criteria provided, multiple submitters, no conflicts (2 of 4 stars). 4 submissions from 4 submitters: Benign (1); Likely benign (3). Last evaluated 2024-05-10.

Conditions:
Familial cancer of breast. Also called: hereditary breast carcinoma; BREAST CANCER, FAMILIAL; Hereditary breast cancer. Identifiers: Orphanet 227535, MedGen C0346153, MONDO:0016419, OMIM 114480. Disease mechanism: loss of function.
Hereditary cancer-predisposing syndrome. Also called: Neoplastic Syndromes, Hereditary; Tumor predisposition; Hereditary Cancer Syndrome; Hereditary neoplastic syndrome. Identifiers: Orphanet 140162, MedGen C0027672, MeSH D009386, MONDO:0015356.
Ataxia-telangiectasia syndrome (AT). Also called: ATAXIA-TELANGIECTASIA, COMPLEMENTATION GROUP A; ATAXIA-TELANGIECTASIA, FRESNO VARIANT; Ataxia-telangiectasia; Ataxia-telangiectasia, complementation group D; AT, COMPLEMENTATION GROUP C; Ataxia-telangiectasia, complementation group E. Identifiers: Orphanet 100, MedGen C0004135, MONDO:0008840, OMIM 208900.

Submissions (4):

Myriad Genetics, Inc.
Classification: Benign for Familial cancer of breast. Last evaluated: 2024-05-10. Review status: criteria provided, single submitter. Criteria: Myriad Autosomal Dominant, Autosomal Recessive and X-Linked Classification Criteria (2023). Collection method: clinical testing. Allele origin: unknown.
Comment: This variant is considered benign. This variant is a silent/synonymous amino acid change and it is not expected to impact splicing.

Labcorp Genetics (formerly Invitae), Labcorp
Classification: Likely benign for Ataxia-telangiectasia syndrome. Last evaluated: 2023-05-17. Review status: criteria provided, single submitter. Criteria: Invitae Variant Classification Sherloc (09022015). Collection method: clinical testing. Allele origin: germline.

Ambry Genetics
Classification: Likely benign for Hereditary cancer-predisposing syndrome. Last evaluated: 2021-10-27. Review status: criteria provided, single submitter. Criteria: Ambry Variant Classification Scheme 2023. Collection method: clinical testing. Allele origin: germline.

GeneDx
Classification: Likely benign. Last evaluated: 2018-03-13. Review status: criteria provided, single submitter. Criteria: GeneDx Variant Classification (06012015). Collection method: clinical testing. Allele origin: germline. Affected: yes.
Comment: This variant is considered likely benign or benign based on one or more of the following criteria: it is a conservative change, it occurs at a poorly conserved position in the protein, it is predicted to be benign by multiple in silico algorithms, and/or has population frequency not consistent with disease.